The following is an entry in ClinVar:

NM_006767.4(LZTR1):c.1059G>C (p.Glu353Asp)

Gene: LZTR1 (leucine zipper like post translational regulator 1; plus strand). Cytogenetic location: 22q11.21.
Variant type: single nucleotide variant.
Coding change: c.1059G>C on transcript NM_006767.4 (MANE Select); coding-DNA position 1059, G replaced by C.
Protein change: p.Glu353Asp; replaces glutamic acid 353 with aspartic acid.
Molecular consequence: missense variant.
Genome position (GRCh38, 1-based): chr22:20,992,279, G>C. VCF-style: chr22-20992279-G-C. GRCh37 (hg19) VCF-style: chr22-21346568-G-C.
Other names: short protein forms E353D.
Identifiers: ClinVar variation 3869302 (VCV003869302.1).
Genomic context (GRCh38, chr22:20,992,279, plus strand): 5'-TGGGGCTGAAGTGCCCGAGCGAGCCTGTGCTTCCGAGGAGGTGCCCACCCTGACCTATGA[G>C]GAGCGGGTTGGCTTCAAGAAGTCCCGAGATGTGTTTGGCCTGGACTTTGGCACCACCTCA-3'
Protein context (NP_006758.2, residues 343-363): ASEEVPTLTY[Glu353Asp]ERVGFKKSRD

ClinVar aggregate classification (germline): Uncertain significance (1 of 4 stars; one submission).

Conditions:
Cardiovascular phenotype. Identifiers: MedGen CN230736.
Hereditary cancer-predisposing syndrome. Also called: Tumor predisposition; Neoplastic Syndromes, Hereditary; Hereditary Cancer Syndrome; Hereditary neoplastic syndrome. Identifiers: Orphanet 140162, MedGen C0027672, MeSH D009386, MONDO:0015356.

Submission:

Ambry Genetics
Classification: Uncertain significance for Cardiovascular phenotype; Hereditary cancer-predisposing syndrome. Last evaluated: 2025-01-17. Review status: criteria provided, single submitter. Criteria: Ambry Variant Classification Scheme 2023. Collection method: clinical testing. Allele origin: germline.
Comment: The p.E353D variant (also known as c.1059G>C), located in coding exon 10 of the LZTR1 gene, results from a G to C substitution at nucleotide position 1059. The glutamic acid at codon 353 is replaced by aspartic acid, an amino acid with highly similar properties. This amino acid position is conserved. In addition, this alteration is predicted to be tolerated by in silico analysis. Based on the available evidence, the clinical significance of this variant remains unclear.